The following is an entry in ClinVar:

NM_001374259.2(IL12RB2):c.808-85dup

Gene: IL12RB2 (interleukin 12 receptor subunit beta 2; plus strand). Cytogenetic location: 1p31.3.
Variant type: Duplication.
Coding change: c.808-85dup on transcript NM_001374259.2 (MANE Select); 85 bases into the intron before coding-DNA position 808, one base duplicated (G; older notation c.808-85dupG).
Molecular consequence: intron variant.
Genome position (GRCh38, 1-based): chr1:67,330,575, G duplicated; the last of 3 consecutive G bases (chr1:67,330,573-67,330,575); duplicating any one gives the same sequence. VCF-style (leftmost placement, unchanged base first): chr1-67330572-T-TG. GRCh37 (hg19) VCF-style: chr1-67796255-T-TG.
Other names: c.808-85dup (NM_001258214.1, NM_001319233.1, NM_001258216.1 and 2 more transcripts).
Identifiers: ClinVar variation 2628207 (VCV002628207.2), dbSNP rs201404369, ClinGen allele CA23503349.

ClinVar aggregate classification (germline): Benign (1 of 4 stars; one submission).

Submission:

Unidad de Genómica Garrahan, Hospital de Pediatría Garrahan
Classification: Benign. Last evaluated: 2023-11-12. Review status: criteria provided, single submitter. Criteria: ACMG Guidelines, 2015. Collection method: clinical testing. Allele origin: germline. Affected: no. Observed: 39 variant alleles.
Comment: This variant is classified as Benign based on local population frequency. This variant was detected in 41% of patients studied by a panel of primary immunodeficiencies. Number of patients: 39. Only high quality variants are reported.